The following is an entry in ClinVar:

NM_000540.3(RYR1):c.7035C>T (p.Ser2345=)

Gene: RYR1 (ryanodine receptor 1; plus strand). Cytogenetic location: 19q13.2.
Variant type: single nucleotide variant.
Coding change: c.7035C>T on transcript NM_000540.3 (MANE Select); coding-DNA position 7035, C replaced by T.
Protein change: p.Ser2345=; no amino-acid change (serine 2345 retained).
Molecular consequence: synonymous variant.
Genome position (GRCh38, 1-based): chr19:38,499,642, C>T. VCF-style: chr19-38499642-C-T. GRCh37 (hg19) VCF-style: chr19-38990282-C-T.
Other names: c.7035C>T, p.Ser2345= (NM_001042723.2).
Identifiers: ClinVar variation 2723750 (VCV002723750.4), dbSNP rs1448949048, ClinGen allele CA507353778.

ClinVar aggregate classification (germline): Likely benign. Review status: criteria provided, multiple submitters, no conflicts (2 of 4 stars). 2 submissions from 2 submitters: Likely benign (2). Last evaluated 2024-12-04.

Conditions:
Malignant hyperthermia, susceptibility to, 1 (MHS1). Also called: Anesthesia related hyperthermia; Malignant hyperpyrexia; Fulminating hyperpyrexia; Pharmacogenic myopathy; Malignant hyperthermia suceptibility 1; RYR1-Related Malignant Hyperthermia Susceptibility. Identifiers: Orphanet 423, MedGen C2930980, MONDO:0007783, OMIM 145600.
RYR1-related disorder. Also called: RYR1-related condition; RYR1-related disorders. Identifiers: MedGen CN239331.

Allele frequency attached by ClinVar (database versions not stated): gnomAD exomes 0.00001; TOPMed 0.00001.
gnomAD v4.1: 3 of 1,597,868 alleles (0.00019%); highest among the groups gnomAD compares: Non-Finnish European, 0.00017%; no homozygotes.

Submissions (2):

Labcorp Genetics (formerly Invitae), Labcorp
Classification: Likely benign for RYR1-related disorder. Last evaluated: 2024-12-04. Review status: criteria provided, single submitter. Criteria: Invitae Variant Classification Sherloc (09022015). Collection method: clinical testing. Allele origin: germline.

All of Us Research Program, National Institutes of Health
Classification: Likely benign for Malignant hyperthermia, susceptibility to, 1. Last evaluated: 2023-04-28. Review status: criteria provided, single submitter. Criteria: ACMG Guidelines, 2015. Collection method: clinical testing. Allele origin: germline. Inheritance: Autosomal dominant inheritance. Observed: 1 variant allele, 1 heterozygote.
Comment: This study involves interpretation of variants in research participants for the purpose of population health screening. Participant phenotype was not available at the time of variant classification. Additional details can be found in publication PMID: 35346344, PMCID: PMC8962531